The following is an entry in ClinVar:

NM_000487.6(ARSA):c.296G>T (p.Arg99Leu)

Gene: ARSA (arylsulfatase A; minus strand). Cytogenetic location: 22q13.33.
Variant type: single nucleotide variant.
Coding change: c.296G>T on transcript NM_000487.6 (MANE Select); coding-DNA position 296, G replaced by T.
Protein change: p.Arg99Leu; replaces arginine 99 with leucine.
Molecular consequence: missense variant.
Genome position (GRCh38, 1-based): chr22:50,627,335, C>A on the plus strand (G>T on the coding strand, the complement: ARSA is on the minus strand). VCF-style: chr22-50627335-C-A. GRCh37 (hg19) VCF-style: chr22-51065763-C-A.
Other names: c.296G>T, p.Arg99Leu (NM_001085425.3, NM_001085426.3, NM_001085427.3); c.38G>T, p.Arg13Leu (NM_001085428.3, NM_001362782.2); short protein forms R13L, R99L.
Identifiers: ClinVar variation 1364060 (VCV001364060.8), dbSNP rs759295985, ClinGen allele CA412181503.

ClinVar aggregate classification (germline): Uncertain significance (1 of 4 stars; one submission).

Conditions:
Metachromatic leukodystrophy (MLD). Also called: SULFATIDE LIPIDOSIS; ARSA DEFICIENCY; CEREBROSIDE SULFATASE DEFICIENCY; METACHROMATIC LEUKOENCEPHALOPATHY; Cerebral sclerosis diffuse metachromatic form; Arylsulfatase A Deficiency. Identifiers: Orphanet 512, MedGen C0023522, MONDO:0018868, OMIM 250100.

Submission:

Labcorp Genetics (formerly Invitae), Labcorp
Classification: Uncertain significance for Metachromatic leukodystrophy. Last evaluated: 2022-07-19. Review status: criteria provided, single submitter. Criteria: Invitae Variant Classification Sherloc (09022015). Collection method: clinical testing. Allele origin: germline.
Comment: This variant is not present in population databases (gnomAD no frequency). This sequence change replaces arginine, which is basic and polar, with leucine, which is neutral and non-polar, at codon 99 of the ARSA protein (p.Arg99Leu). This variant has not been reported in the literature in individuals affected with ARSA-related conditions. In summary, the available evidence is currently insufficient to determine the role of this variant in disease. Therefore, it has been classified as a Variant of Uncertain Significance. Advanced modeling of protein sequence and biophysical properties (such as structural, functional, and spatial information, amino acid conservation, physicochemical variation, residue mobility, and thermodynamic stability) performed at Invitae indicates that this missense variant is expected to disrupt ARSA protein function. ClinVar contains an entry for this variant (Variation ID: 1364060).